The following is an entry in ClinVar:

NM_000218.3(KCNQ1):c.1003T>C (p.Phe335Leu)

Gene: KCNQ1 (potassium voltage-gated channel subfamily Q member 1; plus strand). Cytogenetic location: 11p15.5.
Variant type: single nucleotide variant.
Coding change: c.1003T>C on transcript NM_000218.3 (MANE Select); coding-DNA position 1003, T replaced by C.
Protein change: p.Phe335Leu; replaces phenylalanine 335 with leucine.
Molecular consequence: missense variant.
Genome position (GRCh38, 1-based): chr11:2,583,516, T>C. VCF-style: chr11-2583516-T-C. GRCh37 (hg19) VCF-style: chr11-2604746-T-C.
Other names: c.1003T>C (LRG_287t1); c.1003T>C, p.Phe335Leu (NM_001406836.1); c.733T>C, p.Phe245Leu (NM_001406837.1); c.559T>C, p.Phe187Leu (NM_001406838.1); c.622T>C, p.Phe208Leu (NM_181798.2); short protein forms F335L, F208L, F245L, F187L.
Identifiers: ClinVar variation 67003 (VCV000067003.4), dbSNP rs199472757, ClinGen allele CA004792.
Genomic context (GRCh38, chr11:2,583,516, plus strand): 5'-TATGGGGACAAGGTGCCCCAGACGTGGGTCGGGAAGACCATCGCCTCCTGCTTCTCTGTC[T>C]TTGCCATCTCCTTCTTTGCGCTCCCAGCGGTAGGTGCCCCGTGGGTGCGTTTTCCCTGGC-3'
Protein context (NP_000209.2, residues 325-345): GKTIASCFSV[Phe335Leu]AISFFALPAG

ClinVar aggregate classification (germline): Uncertain significance. Review status: criteria provided, single submitter (1 of 4 stars). 2 submissions from 2 submitters: Uncertain significance (1). 1 of the submissions does not count toward it. Last evaluated 2025-10-06.

Conditions:
Long QT syndrome (LQTS). Identifiers: MedGen C0023976, MeSH D008133, MONDO:0002442. Disease mechanism: loss of function. Inheritance: Various modes of inheritance.

Submissions (2):

Labcorp Genetics (formerly Invitae), Labcorp
Classification: Uncertain significance for Long QT syndrome. Last evaluated: 2025-10-06. Review status: criteria provided, single submitter. Criteria: Invitae Variant Classification Sherloc (09022015). Collection method: clinical testing. Allele origin: germline.
Comment: This sequence change replaces phenylalanine, which is neutral and non-polar, with leucine, which is neutral and non-polar, at codon 335 of the KCNQ1 protein (p.Phe335Leu). This variant is not present in population databases (gnomAD no frequency). This variant has not been reported in the literature in individuals affected with KCNQ1-related conditions. ClinVar contains an entry for this variant (Variation ID: 67003). Invitae Evidence Modeling of protein sequence and biophysical properties (such as structural, functional, and spatial information, amino acid conservation, physicochemical variation, residue mobility, and thermodynamic stability) has been performed for this missense variant. However, the output from this modeling did not meet the statistical confidence thresholds required to predict the impact of this variant on KCNQ1 protein function. In summary, the available evidence is currently insufficient to determine the role of this variant in disease. Therefore, it has been classified as a Variant of Uncertain Significance.

Cardiovascular Biomedical Research Unit, Royal Brompton & Harefield NHS Foundation Trust
No classification provided. Review status: no classification provided. Collection method: literature only. Allele origin: germline. Not counted in ClinVar's aggregate classification.
Comment: This variant has been reported in the following publications (PMID:14661677;PMID:19841300).

Literature cited by the submitters: PubMed 14661677 (cited by Cardiovascular Biomedical Research Unit, Royal Brompton & Harefield NHS Foundation Trust); PubMed 19841300 (cited by Cardiovascular Biomedical Research Unit, Royal Brompton & Harefield NHS Foundation Trust); PubMed 22581653 (cited by Cardiovascular Biomedical Research Unit, Royal Brompton & Harefield NHS Foundation Trust).